The following is an entry in ClinVar:

NM_001105206.3(LAMA4):c.2081C>G (p.Thr694Ser)

Gene: LAMA4 (laminin subunit alpha 4; minus strand). Cytogenetic location: 6q21.
Variant type: single nucleotide variant.
Coding change: c.2081C>G on transcript NM_001105206.3 (MANE Select); coding-DNA position 2081, C replaced by G.
Protein change: p.Thr694Ser; replaces threonine 694 with serine.
Molecular consequence: missense variant.
Genome position (GRCh38, 1-based): chr6:112,150,603, G>C on the plus strand (C>G on the coding strand, the complement: LAMA4 is on the minus strand). VCF-style: chr6-112150603-G-C. GRCh37 (hg19) VCF-style: chr6-112471805-G-C.
Other names: c.2060C>G, p.Thr687Ser (NM_001105207.3, NM_002290.5); short protein forms T687S, T694S.
Identifiers: ClinVar variation 1051277 (VCV001051277.9), dbSNP rs2114754072, ClinGen allele CA365363357.

ClinVar aggregate classification (germline): Uncertain significance (1 of 4 stars; one submission).

Conditions:
Dilated cardiomyopathy 1JJ (CMD1JJ). Identifiers: Orphanet 154, MedGen C3808935, MONDO:0014095, OMIM 615235.

gnomAD v4.1: 3 of 1,613,958 alleles (0.00019%); highest among the groups gnomAD compares: South Asian, 0.0022%; no homozygotes.

Submission:

Labcorp Genetics (formerly Invitae), Labcorp
Classification: Uncertain significance for Dilated cardiomyopathy 1JJ. Last evaluated: 2020-09-10. Review status: criteria provided, single submitter. Criteria: Invitae Variant Classification Sherloc (09022015). Collection method: clinical testing. Allele origin: germline.
Comment: This sequence change replaces threonine with serine at codon 687 of the LAMA4 protein (p.Thr687Ser). The threonine residue is highly conserved and there is a small physicochemical difference between threonine and serine. This variant is not present in population databases (ExAC no frequency). This variant has not been reported in the literature in individuals with LAMA4-related conditions. Algorithms developed to predict the effect of missense changes on protein structure and function are either unavailable or do not agree on the potential impact of this missense change (SIFT: "Tolerated"; PolyPhen-2: "Possibly Damaging"; Align-GVGD: "Class C0"). In summary, the available evidence is currently insufficient to determine the role of this variant in disease. Therefore, it has been classified as a Variant of Uncertain Significance.